The following is an entry in ClinVar:

ClinVar aggregate classification (germline): Uncertain significance. Review status: criteria provided, multiple submitters, no conflicts (2 of 4 stars). 2 submissions from 2 submitters: Uncertain significance (2). Last evaluated 2024-12-23.

Conditions:
Mucopolysaccharidosis, MPS-II (MPS2). Also called: Mucopolysaccharidosis type 2; Attenuated MPS (subtype; formerly known as mild MPS II); Severe MPS II; I2S deficiency; MPS 2; Hunter Syndrome. Identifiers: Orphanet 580, Orphanet 79388, MedGen C0026705, MONDO:0010674, OMIM 309900.

Allele frequency attached by ClinVar (database versions not stated): gnomAD exomes below 0.00001.
gnomAD v4.1: 3 of 1,211,422 alleles (0.00025%); highest among the groups gnomAD compares: Non-Finnish European, 0.00022%; no homozygotes.

Submissions (2):

Labcorp Genetics (formerly Invitae), Labcorp
Classification: Uncertain significance for Mucopolysaccharidosis, MPS-II. Last evaluated: 2024-12-23. Review status: criteria provided, single submitter. Criteria: Invitae Variant Classification Sherloc (09022015). Collection method: clinical testing. Allele origin: germline.
Comment: This sequence change replaces tyrosine, which is neutral and polar, with cysteine, which is neutral and slightly polar, at codon 225 of the IDS protein (p.Tyr225Cys). This variant is not present in population databases (gnomAD no frequency). This missense change has been observed in individual(s) with a positive newborn screening result for IDS-related disease (PMID: 36907694). ClinVar contains an entry for this variant (Variation ID: 2161114). Invitae Evidence Modeling of protein sequence and biophysical properties (such as structural, functional, and spatial information, amino acid conservation, physicochemical variation, residue mobility, and thermodynamic stability) indicates that this missense variant is expected to disrupt IDS protein function with a positive predictive value of 80%. In summary, the available evidence is currently insufficient to determine the role of this variant in disease. Therefore, it has been classified as a Variant of Uncertain Significance.

Revvity Omics, Revvity
Classification: Uncertain significance for Mucopolysaccharidosis, MPS-II. Last evaluated: 2024-09-16. Review status: criteria provided, single submitter. Criteria: ACMG Guidelines, 2015. Collection method: clinical testing. Allele origin: germline.

Literature cited by the submitters: PubMed 36907694 (cited by Labcorp Genetics (formerly Invitae), Labcorp).

NM_000202.8(IDS):c.674A>G (p.Tyr225Cys)

Genes: IDS (iduronate 2-sulfatase; minus strand), LOC106050102 (IDS recombination region; plus strand). Cytogenetic location: Xq28.
Variant type: single nucleotide variant.
Coding change: c.674A>G on transcript NM_000202.8 (MANE Select); coding-DNA position 674, A replaced by G.
Protein change: p.Tyr225Cys; replaces tyrosine 225 with cysteine.
Molecular consequence: missense variant. On other transcripts: non-coding transcript variant (1).
Genome position (GRCh38, 1-based): chrX:149,498,141, T>C on the plus strand (A>G on the coding strand, the complement: IDS is on the minus strand). VCF-style: chrX-149498141-T-C. GRCh37 (hg19) VCF-style: chrX-148579672-T-C.
Other names: c.404A>G, p.Tyr135Cys (NM_001166550.4); c.674A>G, p.Tyr225Cys (NM_006123.5); short protein forms Y135C, Y225C.
Identifiers: ClinVar variation 2161114 (VCV002161114.3), dbSNP rs2520862723, ClinGen allele CA414522205.